The following is an entry in ClinVar:

ClinVar aggregate classification (germline): Uncertain significance (1 of 4 stars; one submission).

Submission:

Labcorp Genetics (formerly Invitae), Labcorp
Classification: Uncertain significance. Last evaluated: 2022-09-27. Review status: criteria provided, single submitter. Criteria: Invitae Variant Classification Sherloc (09022015). Collection method: clinical testing. Allele origin: germline.
Comment: In summary, the available evidence is currently insufficient to determine the role of this variant in disease. Therefore, it has been classified as a Variant of Uncertain Significance. Algorithms developed to predict the effect of missense changes on protein structure and function (SIFT, PolyPhen-2, Align-GVGD) all suggest that this variant is likely to be disruptive. This variant has not been reported in the literature in individuals affected with OPN1SW-related conditions. This variant is not present in population databases (gnomAD no frequency). This sequence change replaces tryptophan, which is neutral and slightly polar, with serine, which is neutral and polar, at codon 123 of the OPN1SW protein (p.Trp123Ser).

NM_001385125.1(OPN1SW):c.359G>C (p.Trp120Ser)

Gene: OPN1SW (opsin 1, short wave sensitive; minus strand). Cytogenetic location: 7q32.1.
Variant type: single nucleotide variant.
Coding change: c.359G>C on transcript NM_001385125.1 (MANE Select); coding-DNA position 359, G replaced by C.
Protein change: p.Trp120Ser; replaces tryptophan 120 with serine.
Molecular consequence: missense variant.
Genome position (GRCh38, 1-based): chr7:128,775,139, C>G on the plus strand (G>C on the coding strand, the complement: OPN1SW is on the minus strand). VCF-style: chr7-128775139-C-G. GRCh37 (hg19) VCF-style: chr7-128415193-C-G.
Other names: short protein forms W120S.
Identifiers: ClinVar variation 1720495 (VCV001720495.5), dbSNP rs2536292229, ClinGen allele CA369220897.
Genomic context (GRCh38, chr7:128,775,139, plus strand): 5'-AAGTTGCCGAAGGGCTTACAGATGACAATGTAGCGCTCAAAGGCCAGGAAGGCCAGTGAC[C>G]ATCCTGTAACCAGACCTGTGGTGAAATGTGAGGATAATGGGCTAGACAGAGCCCCACCCA-3'
Protein context (NP_001372054.1, residues 110-130): LGTVAGLVTG[Trp120Ser]SLAFLAFERY